The following is an entry in ClinVar:

NM_000038.6(APC):c.2859dup (p.Leu954fs)

Gene: APC (APC regulator of Wnt signaling pathway; plus strand). Cytogenetic location: 5q22.2.
Variant type: Duplication.
Coding change: c.2859dup on transcript NM_000038.6 (MANE Select); coding-DNA position 2859, one base duplicated (A; older notation c.2859dupA).
Protein change: p.Leu954fs; shifts the reading frame from leucine 954.
Molecular consequence: frameshift variant.
Genome position (GRCh38, 1-based): chr5:112,838,453, A duplicated; the last of 3 consecutive A bases (chr5:112,838,451-112,838,453); duplicating any one gives the same sequence. VCF-style (leftmost placement, unchanged base first): chr5-112838450-C-CA. GRCh37 (hg19) VCF-style: chr5-112174147-C-CA.
Other names: c.2859dup, p.Leu954fs (NM_001127510.3, NM_001354895.2); c.2805dup, p.Leu936fs (NM_001127511.3); c.2913dup, p.Leu972fs (NM_001354896.2); c.2889dup, p.Leu964fs (NM_001354897.2); c.2784dup, p.Leu929fs (NM_001354898.2); c.2775dup, p.Leu926fs (NM_001354899.2); c.2736dup, p.Leu913fs (NM_001354900.2); c.2682dup, p.Leu895fs (NM_001354901.2); and 6 more; short protein forms L671fs, L828fs, L895fs, L926fs, L794fs, L853fs, L972fs, L936fs.
Identifiers: ClinVar variation 545858 (VCV000545858.9), dbSNP rs1554084547, ClinGen allele CA658822401.

ClinVar aggregate classification (germline): Pathogenic. Review status: criteria provided, multiple submitters, no conflicts (2 of 4 stars). 3 submissions from 3 submitters: Pathogenic (3). Last evaluated 2024-07-16.

Conditions:
Familial adenomatous polyposis 1 (FAP1). Also called: FAMILIAL ADENOMATOUS POLYPOSIS 1, ATTENUATED; POLYPOSIS, ADENOMATOUS INTESTINAL. Identifiers: MedGen C2713442, MONDO:0021056, OMIM 175100. Disease mechanism: loss of function.

Submissions (3):

Labcorp Genetics (formerly Invitae), Labcorp
Classification: Pathogenic for Familial adenomatous polyposis 1. Last evaluated: 2024-07-16. Review status: criteria provided, single submitter. Criteria: Invitae Variant Classification Sherloc (09022015). Collection method: clinical testing. Allele origin: germline.
Comment: This sequence change creates a premature translational stop signal (p.Leu954Ilefs*9) in the APC gene. While this is not anticipated to result in nonsense mediated decay, it is expected to disrupt the last 1890 amino acid(s) of the APC protein. This variant is not present in population databases (gnomAD no frequency). This variant has not been reported in the literature in individuals affected with APC-related conditions. ClinVar contains an entry for this variant (Variation ID: 545858). A different truncation (p.Tyr2645Lysfs*14) that lies downstream of this variant has been determined to be pathogenic (PMID: 9824584, 1316610, 27081525, 8381579, 22135120, Invitae). This suggests that deletion of this region of the APC protein is causative of disease. This variant is expected to disrupt the EB1 and HDLG binding sites, which mediate interactions with the cytoskeleton (PMID: 15311282, 17293347). While functional studies have not been performed to directly test the effect on APC protein function, this suggests that disruption of the C-terminal portion of the protein is functionally important. For these reasons, this variant has been classified as Pathogenic.

Myriad Genetics, Inc.
Classification: Pathogenic for Familial adenomatous polyposis 1. Last evaluated: 2023-05-05. Review status: criteria provided, single submitter. Criteria: Myriad Autosomal Dominant, Autosomal Recessive and X-Linked Classification Criteria (2023). Collection method: clinical testing. Allele origin: unknown.
Comment: This variant is considered pathogenic. This variant creates a frameshift predicted to result in premature protein truncation.

GeneDx
Classification: Pathogenic. Last evaluated: 2019-07-19. Review status: criteria provided, single submitter. Criteria: GeneDx Variant Classification Process June 2021. Collection method: clinical testing. Allele origin: germline. Affected: yes.
Comment: Frameshift variant predicted to result in protein truncation in a gene for which loss-of-function is a known mechanism of disease; Not observed in large population cohorts (Lek et al., 2016); Has not been previously published as pathogenic or benign to our knowledge

Literature cited by the submitters: PubMed 9824584 (cited by Labcorp Genetics (formerly Invitae), Labcorp); PubMed 1316610 (cited by Labcorp Genetics (formerly Invitae), Labcorp); PubMed 27081525 (cited by Labcorp Genetics (formerly Invitae), Labcorp); PubMed 8381579 (cited by Labcorp Genetics (formerly Invitae), Labcorp); PubMed 22135120 (cited by Labcorp Genetics (formerly Invitae), Labcorp); PubMed 15311282 (cited by Labcorp Genetics (formerly Invitae), Labcorp); PubMed 17293347 (cited by Labcorp Genetics (formerly Invitae), Labcorp).